The following is an entry in ClinVar:

NM_000498.3(CYP11B2):c.477G>A (p.Pro159=)

Genes: CYP11B2 (cytochrome P450 family 11 subfamily B member 2; minus strand), LOC106799834 (CYP11B2 recombination region; plus strand). Cytogenetic location: 8q24.3.
Variant type: single nucleotide variant.
Coding change: c.477G>A on transcript NM_000498.3 (MANE Select); coding-DNA position 477, G replaced by A.
Protein change: p.Pro159=; no amino-acid change (proline 159 retained).
Molecular consequence: synonymous variant.
Genome position (GRCh38, 1-based): chr8:142,915,164, C>T on the plus strand (G>A on the coding strand, the complement: CYP11B2 is on the minus strand). VCF-style: chr8-142915164-C-T. GRCh37 (hg19) VCF-style: chr8-143996580-C-T.
Identifiers: ClinVar variation 362222 (VCV000362222.20), dbSNP rs375242946, ClinGen allele CA4906193.

ClinVar aggregate classification (germline): Conflicting classifications of pathogenicity. Review status: criteria provided, conflicting classifications (1 of 4 stars). 6 submissions from 4 submitters: Uncertain significance (2); Benign (1); Likely benign (3). Last evaluated 2025-11-08.

Conditions:
Glucocorticoid-remediable aldosteronism. Also called: Hyperaldosteronism, familial, type I; FH I; GLUCOCORTICOID-SUPPRESSIBLE HYPERALDOSTERONISM; ACTH-DEPENDENT HYPERALDOSTERONISM SYNDROME; ALDOSTERONISM, SENSITIVE TO DEXAMETHASONE. Identifiers: Orphanet 403, MedGen C3838731, MONDO:0007080, OMIM 103900.
Corticosterone 18-monooxygenase deficiency. Also called: ALDOSTERONE DEFICIENCY DUE TO DEFECT IN STEROID 18-HYDROXYLASE; ALDOSTERONE DEFICIENCY I; CMO I DEFICIENCY; STEROID 18-HYDROXYLASE DEFICIENCY; 18 Hydroxylase deficiency; Aldosterone deficiency due to defect in 18 hydroxylase. Identifiers: Orphanet 427, MedGen C0268293, MONDO:0008751, OMIM 203400. Disease mechanism: loss of function.
Corticosterone methyloxidase type 2 deficiency. Also called: 18-OXIDASE DEFICIENCY; ALDOSTERONE DEFICIENCY DUE TO DEFICIENCY OF STEROID 18-OXIDASE; ALDOSTERONE DEFICIENCY II; CMO II DEFICIENCY; STEROID 18-OXIDASE DEFICIENCY. Identifiers: Orphanet 427, MedGen C3463917, MONDO:0012524, OMIM 610600. Disease mechanism: loss of function.

Allele frequency attached by ClinVar (database versions not stated): gnomAD exomes 0.00038 and 0.00061; 1000 Genomes Project 0.00060; 1000 Genomes Project 30x 0.00062; ExAC 0.00062; gnomAD 0.00025 and 0.00032; ESP Exome Variant Server 0.00031; TOPMed 0.00033.
gnomAD v4.1: 629 of 1,614,158 alleles (0.039%); highest among the groups gnomAD compares: South Asian, 0.2%; 2 homozygotes.

Submissions (6):

Labcorp Genetics (formerly Invitae), Labcorp
Classification: Likely benign. Last evaluated: 2025-11-08. Review status: criteria provided, single submitter. Criteria: Invitae Variant Classification Sherloc (09022015). Collection method: clinical testing. Allele origin: germline.

Blueprint Genetics
Classification: Likely benign. Last evaluated: 2024-08-17. Review status: criteria provided, single submitter. Criteria: ACMG Guidelines, 2015. Collection method: clinical testing. Allele origin: germline.

Genome-Nilou Lab
Classification: Likely benign for Corticosterone 18-monooxygenase deficiency. Last evaluated: 2021-05-18. Review status: criteria provided, single submitter. Criteria: ACMG Guidelines, 2015. Collection method: clinical testing. Allele origin: germline. Affected: no.

Illumina Laboratory Services, Illumina
Classification: Uncertain significance for Corticosterone methyloxidase type 2 deficiency. Last evaluated: 2018-01-12. Review status: criteria provided, single submitter. Criteria: ICSL Variant Classification Criteria 13 December 2019. Collection method: clinical testing. Allele origin: germline.

Illumina Laboratory Services, Illumina
Classification: Uncertain significance for Corticosterone 18-monooxygenase deficiency. Last evaluated: 2018-01-12. Review status: criteria provided, single submitter. Criteria: ICSL Variant Classification Criteria 13 December 2019. Collection method: clinical testing. Allele origin: germline.

Illumina Laboratory Services, Illumina
Classification: Benign for Hyperaldosteronism, familial, type I. Last evaluated: 2018-01-12. Review status: criteria provided, single submitter. Criteria: ICSL Variant Classification Criteria 13 December 2019. Collection method: clinical testing. Allele origin: germline.
Comment: This variant was observed in the ICSL laboratory as part of a predisposition screen in an ostensibly healthy population. It had not been previously curated by ICSL or reported in the Human Gene Mutation Database (HGMD: prior to June 1st, 2018), and was therefore a candidate for classification through an automated scoring system. Utilizing variant allele frequency, disease prevalence and penetrance estimates, and inheritance mode, an automated score was calculated to assess if this variant is too frequent to cause the disease. Based on the score and internal cut-off values, a variant classified as benign is not then subjected to further curation. The score for this variant resulted in a classification of benign for this disease.